The following is an entry in ClinVar:

NM_000297.4(PKD2):c.1213C>T (p.Gln405Ter)

Gene: PKD2 (polycystin 2, transient receptor potential cation channel; plus strand). Cytogenetic location: 4q22.1.
Variant type: single nucleotide variant.
Coding change: c.1213C>T on transcript NM_000297.4 (MANE Select); coding-DNA position 1213, C replaced by T.
Protein change: p.Gln405Ter; replaces glutamine 405 with a stop codon.
Molecular consequence: nonsense. On other transcripts: non-coding transcript variant (1).
Genome position (GRCh38, 1-based): chr4:88,043,351, C>T. VCF-style: chr4-88043351-C-T. GRCh37 (hg19) VCF-style: chr4-88964503-C-T.
Other names: short protein forms Q405*.
Identifiers: ClinVar variation 13519 (VCV000013519.2), dbSNP rs121918041, ClinGen allele CA123162.

ClinVar aggregate classification (germline): Pathogenic. Review status: criteria provided, single submitter (1 of 4 stars). 2 submissions from 2 submitters: Pathogenic (1). 1 of the submissions does not count toward it. Last evaluated 2025-06-16.

Conditions:
Polycystic kidney disease 2 (PKD2). Also called: POLYCYSTIC KIDNEY DISEASE 2 WITH OR WITHOUT POLYCYSTIC LIVER DISEASE; Polycystic Kidney Disease 2, Autosomal Dominant; POLYCYSTIC KIDNEY DISEASE, ADULT, TYPE II. Identifiers: MedGen C2751306, MONDO:0013131, OMIM 613095.

Submissions (2):

Women's Health and Genetics/Laboratory Corporation of America, LabCorp
Classification: Pathogenic for Polycystic kidney disease 2. Last evaluated: 2025-06-16. Review status: criteria provided, single submitter. Criteria: LabCorp Variant Classification Summary - May 2015. Collection method: clinical testing. Allele origin: germline.
Comment: Variant summary: PKD2 c.1213C>T (p.Gln405X) results in a premature termination codon, predicted to cause a truncation of the encoded protein or absence of the protein due to nonsense mediated decay, which are commonly known mechanisms for disease. The variant was absent in 251084 control chromosomes. c.1213C>T has been observed in multiple individuals in a family affected with Polycystic Kidney Disease 2 (Mochizuki_1996). These data indicate that the variant is very likely to be associated with disease. To our knowledge, no experimental evidence demonstrating an impact on protein function has been reported. The following publication have been ascertained in the context of this evaluation (PMID: 8650545). ClinVar contains an entry for this variant (Variation ID: 13519). Based on the evidence outlined above, the variant was classified as pathogenic.

OMIM
Classification: Pathogenic for POLYCYSTIC KIDNEY DISEASE 2. Last evaluated: 1996-05-31. Review status: no assertion criteria provided. Collection method: literature only. Allele origin: germline. Not counted in ClinVar's aggregate classification.

Literature cited by the submitters: PubMed 8650545 (cited by Women's Health and Genetics/Laboratory Corporation of America, LabCorp and OMIM).